The following is an entry in ClinVar:

NM_015295.3(SMCHD1):c.4101A>C (p.Lys1367Asn)

Gene: SMCHD1 (structural maintenance of chromosomes flexible hinge domain containing 1; plus strand). Cytogenetic location: 18p11.32.
Variant type: single nucleotide variant.
Coding change: c.4101A>C on transcript NM_015295.3 (MANE Select); coding-DNA position 4101, A replaced by C.
Protein change: p.Lys1367Asn; replaces lysine 1367 with asparagine.
Molecular consequence: missense variant.
Genome position (GRCh38, 1-based): chr18:2,750,443, A>C. VCF-style: chr18-2750443-A-C. GRCh37 (hg19) VCF-style: chr18-2750441-A-C.
Other names: short protein forms K1367N.
Identifiers: ClinVar variation 2064027 (VCV002064027.4), dbSNP rs2510121435, ClinGen allele CA401692139.

ClinVar aggregate classification (germline): Uncertain significance (1 of 4 stars; one submission).

Conditions:
Facioscapulohumeral muscular dystrophy 2 (FSHD2). Also called: FACIOSCAPULOHUMERAL MUSCULAR DYSTROPHY 2, DIGENIC; FSHD2, DIGENIC; MUSCULAR DYSTROPHY, FACIOSCAPULOHUMERAL, TYPE 1B. Identifiers: Orphanet 269, MedGen C1834671, MONDO:0008031, OMIM 158901.

Submission:

Labcorp Genetics (formerly Invitae), Labcorp
Classification: Uncertain significance for Facioscapulohumeral muscular dystrophy 2. Last evaluated: 2023-11-28. Review status: criteria provided, single submitter. Criteria: Invitae Variant Classification Sherloc (09022015). Collection method: clinical testing. Allele origin: germline.
Comment: This sequence change replaces lysine, which is basic and polar, with asparagine, which is neutral and polar, at codon 1367 of the SMCHD1 protein (p.Lys1367Asn). This variant is not present in population databases (gnomAD no frequency). This variant has not been reported in the literature in individuals affected with SMCHD1-related conditions. ClinVar contains an entry for this variant (Variation ID: 2064027). Advanced modeling of protein sequence and biophysical properties (such as structural, functional, and spatial information, amino acid conservation, physicochemical variation, residue mobility, and thermodynamic stability) has been performed at Invitae for this missense variant, however the output from this modeling did not meet the statistical confidence thresholds required to predict the impact of this variant on SMCHD1 protein function. In summary, the available evidence is currently insufficient to determine the role of this variant in disease. Therefore, it has been classified as a Variant of Uncertain Significance.